The following is an entry in ClinVar:

NM_002691.4(POLD1):c.810T>C (p.Ala270=)

Gene: POLD1 (DNA polymerase delta 1, catalytic subunit; plus strand). Cytogenetic location: 19q13.33.
Variant type: single nucleotide variant.
Coding change: c.810T>C on transcript NM_002691.4 (MANE Select); coding-DNA position 810, T replaced by C.
Protein change: p.Ala270=; no amino-acid change (alanine 270 retained).
Molecular consequence: synonymous variant. On other transcripts: non-coding transcript variant (1).
Genome position (GRCh38, 1-based): chr19:50,402,505, T>C. VCF-style: chr19-50402505-T-C. GRCh37 (hg19) VCF-style: chr19-50905762-T-C.
Other names: p.Ala270=; c.810T>C, p.Ala270= (NM_001256849.1, NM_001308632.1).
Identifiers: ClinVar variation 380227 (VCV000380227.27), dbSNP rs1143666, ClinGen allele CA9595911.
Genomic context (GRCh38, chr19:50,402,505, plus strand): 5'-CCCCTCCAGGTTCATGGTGGACACGGACATCGTCGGCTGCAACTGGCTGGAGCTCCCAGC[T>C]GGGAAATACGCCCTGAGGCTGAAGGAGAAGGTGCAGGGCTTCCCAGGGCAGGGCTGGGTG-3'
Protein context (NP_002682.2, residues 260-280): IVGCNWLELP[Ala270=]GKYALRLKEK

ClinVar aggregate classification (germline): Benign. Review status: criteria provided, multiple submitters, no conflicts (2 of 4 stars). 13 submissions from 13 submitters: Benign (11). 2 of the submissions do not count toward it. Last evaluated 2026-02-04.

Conditions:
POLD1-related polyposis and colorectal cancer syndrome (CRCS10). Also called: Colorectal cancer, susceptibility to, 10; Colorectal cancer 10; COLORECTAL CANCER, SUSCEPTIBILITY TO, ON CHROMOSOME 19q. Identifiers: Orphanet 220460, MedGen C2675481, MONDO:0012953, OMIM 612591.
Hereditary cancer-predisposing syndrome. Also called: Neoplastic Syndromes, Hereditary; Hereditary neoplastic syndrome; Hereditary Cancer Syndrome; Tumor predisposition. Identifiers: Orphanet 140162, MedGen C0027672, MeSH D009386, MONDO:0015356.
Immunodeficiency 120. Identifiers: MedGen C5935622, MONDO:0970994, OMIM 620836.
Mandibular hypoplasia-deafness-progeroid syndrome. Also called: Mandibular hypoplasia, deafness, progeroid features, and lipodystrophy syndrome. Identifiers: Orphanet 363649, MedGen C3715192, MONDO:0014157, OMIM 615381.

Allele frequency attached by ClinVar (database versions not stated): gnomAD exomes 0.03400 and 0.01402; ExAC 0.05319; gnomAD 0.11577 and 0.12250; ESP Exome Variant Server 0.12617; TOPMed 0.13024; 1000 Genomes Project 0.13838; 1000 Genomes Project 30x 0.14319.
gnomAD v4.1: 39,081 of 1,609,458 alleles (2.4%); highest among the groups gnomAD compares: African/African-American, 39%; 6,159 homozygotes.

Submissions (13):

Labcorp Genetics (formerly Invitae), Labcorp
Classification: Benign for POLD1-related polyposis and colorectal cancer syndrome. Last evaluated: 2026-02-04. Review status: criteria provided, single submitter. Criteria: Invitae Variant Classification Sherloc (09022015). Collection method: clinical testing. Allele origin: germline.

Center for Genomic Medicine, Rigshospitalet, Copenhagen University Hospital
Classification: Benign. Last evaluated: 2025-03-04. Review status: criteria provided, single submitter. Criteria: ACMG Guidelines, 2015. Collection method: clinical testing. Allele origin: germline.

Institute for Biomarker Research, Medical Diagnostic Laboratories, L.L.C.
Classification: Benign for Hereditary cancer-predisposing syndrome. Last evaluated: 2025-01-20. Review status: criteria provided, single submitter. Criteria: ACMG Guidelines, 2015. Collection method: clinical testing. Allele origin: germline.
Comment: The synonymous variant NM_001308632.1(POLD1):c.810T>C (p.Ala270=) has been reported to ClinVar as Benign with a status of (2 stars) criteria provided, multiple submitters, no conflicts (Variation ID 380227 as of 2025-01-02). The variant is observed in one or more well-documented healthy adults. The p.Ala270= variant is observed in 693/5,008 (13.8379%) alleles from individuals of 1kG All background in 1kG, indicating it is a common benign variant. The p.Ala270= variant is not predicted to disrupt an existing splice site. The p.Ala270= variant results in a substitution of a base that is not predicted conserved by GERP++ and PhyloP. For these reasons, this variant has been classified as Benign.

KCCC/NGS Laboratory, Kuwait Cancer Control Center
Classification: Benign for POLD1-related polyposis and colorectal cancer syndrome. Last evaluated: 2023-07-07. Review status: criteria provided, single submitter. Criteria: ACMG Guidelines, 2015. Collection method: clinical testing. Allele origin: germline. Affected: yes.

Department of Pathology and Laboratory Medicine, Sinai Health System
Classification: Benign for POLD1-related polyposis and colorectal cancer syndrome; Mandibular hypoplasia-deafness-progeroid syndrome; Immunodeficiency 120. Last evaluated: 2022-09-07. Review status: criteria provided, single submitter. Criteria: ACMG Guidelines, 2015. Collection method: clinical testing. Allele origin: germline. Affected: no.

Mayo Clinic Laboratories, Mayo Clinic
Classification: Benign. Last evaluated: 2021-04-26. Review status: criteria provided, single submitter. Criteria: ACMG Guidelines, 2015. Collection method: clinical testing. Allele origin: germline. Observed: 20 variant alleles.

PreventionGenetics, part of Exact Sciences
Classification: Benign. Last evaluated: 2016-10-03. Review status: criteria provided, single submitter. Criteria: ACMG Guidelines, 2015. Collection method: clinical testing. Allele origin: germline.

Women's Health and Genetics/Laboratory Corporation of America, LabCorp
Classification: Benign. Last evaluated: 2016-05-18. Review status: criteria provided, single submitter. Criteria: LabCorp Variant Classification Summary - May 2015. Collection method: clinical testing. Allele origin: germline.
Comment: Variant summary: The POLD1 c.810T>C (p.Ala270Ala) variant involves the alteration of a non-conserved nucleotide, resulting in a synonymous change. Mutation Taster predicts a polymorphism outcome for this variant. 5/5 splice prediction tools predict no significant impact on normal splicing. This variant was found in 4320/81220 control chromosomes (including 653 homozygotes) at a frequency of 0.0531889, which is approximately 3744 times the estimated maximal expected allele frequency of a pathogenic POLD1 variant (0.0000142), suggesting this variant is a benign polymorphism. Taken together, this variant is classified as Benign.

GeneDx
Classification: Benign. Last evaluated: 2015-11-06. Review status: criteria provided, single submitter. Criteria: GeneDx Variant Classification (06012015). Collection method: clinical testing. Allele origin: germline. Affected: yes.
Comment: This variant is considered likely benign or benign based on one or more of the following criteria: it is a conservative change, it occurs at a poorly conserved position in the protein, it is predicted to be benign by multiple in silico algorithms, and/or has population frequency not consistent with disease.

Ambry Genetics
Classification: Benign for Hereditary cancer-predisposing syndrome. Last evaluated: 2015-05-20. Review status: criteria provided, single submitter. Criteria: Ambry Variant Classification Scheme 2023. Collection method: clinical testing. Allele origin: germline.

Breakthrough Genomics
Classification: Benign. Review status: criteria provided, single submitter. Criteria: ACMG Guidelines, 2015. Collection method: not provided. Allele origin: germline. Inheritance: Autosomal dominant inheritance. Affected: yes.

Clinical Genetics, Academic Medical Center
Classification: Benign. Review status: no assertion criteria provided. Collection method: clinical testing. Allele origin: germline. Affected: yes. Study: VKGL Data-share Consensus. Not counted in ClinVar's aggregate classification.

Laboratory of Diagnostic Genome Analysis, Leiden University Medical Center (LUMC)
Classification: Benign. Review status: no assertion criteria provided. Collection method: clinical testing. Allele origin: germline. Affected: yes. Study: VKGL Data-share Consensus. Not counted in ClinVar's aggregate classification.